The following is an entry in ClinVar:

NM_000143.4(FH):c.188C>T (p.Pro63Leu)

Gene: FH (fumarate hydratase; minus strand). Cytogenetic location: 1q43.
Variant type: single nucleotide variant.
Coding change: c.188C>T on transcript NM_000143.4 (MANE Select); coding-DNA position 188, C replaced by T.
Protein change: p.Pro63Leu; replaces proline 63 with leucine.
Molecular consequence: missense variant.
Genome position (GRCh38, 1-based): chr1:241,517,261, G>A on the plus strand (C>T on the coding strand, the complement: FH is on the minus strand). VCF-style: chr1-241517261-G-A. GRCh37 (hg19) VCF-style: chr1-241680561-G-A.
Other names: short protein forms P63L.
Identifiers: ClinVar variation 1782045 (VCV001782045.4), dbSNP rs2527340342, ClinGen allele CA345441885.
Genomic context (GRCh38, chr1:241,517,261, plus strand): 5'-CCTCCAATCTTAAAGTTCATCGTAGATCTCACGGTCTGGGCGCCATAATACTTATCATTT[G>A]GCACCTTTAGTTCACCAAAGGTATCATATTCTATCCGGAAGGAATTTTGGCTTGCCTAAA-3'
Protein context (NP_000134.2, residues 53-73): EYDTFGELKV[Pro63Leu]NDKYYGAQTV

ClinVar aggregate classification (germline): Uncertain significance (1 of 4 stars; one submission).

Conditions:
Hereditary cancer-predisposing syndrome. Also called: Tumor predisposition; Hereditary Cancer Syndrome; Hereditary neoplastic syndrome; Neoplastic Syndromes, Hereditary. Identifiers: Orphanet 140162, MedGen C0027672, MeSH D009386, MONDO:0015356.

Submission:

Ambry Genetics
Classification: Uncertain significance for Hereditary cancer-predisposing syndrome. Last evaluated: 2026-03-03. Review status: criteria provided, single submitter. Criteria: Ambry Variant Classification Scheme 2023. Collection method: clinical testing. Allele origin: germline.
Comment: The p.P63L variant (also known as c.188C>T), located in coding exon 2 of the FH gene, results from a C to T substitution at nucleotide position 188. The proline at codon 63 is replaced by leucine, an amino acid with similar properties. This amino acid position is highly conserved in available vertebrate species. In addition, this alteration is predicted to be deleterious by in silico analysis. Based on the available evidence, the clinical significance of this variant remains unclear.